The following is an entry in ClinVar:

ClinVar aggregate classification (germline): Pathogenic (1 of 4 stars; one submission).

Submission:

Mayo Clinic Laboratories, Mayo Clinic
Classification: Pathogenic. Last evaluated: 2025-02-19. Review status: criteria provided, single submitter. Criteria: ACMG Guidelines, 2015. Collection method: clinical testing. Allele origin: germline. Observed: 1 variant allele.
Comment: PM2_supporting, PM3, PS3_moderate, PS4, PVS1

Literature cited by the submitters: PubMed 23715104; PubMed 29554699; PubMed 29763513; PubMed 38935915.

NM_139027.6(ADAMTS13):c.768_774dup (p.Gly259fs)

Gene: ADAMTS13 (ADAM metallopeptidase with thrombospondin type 1 motif 13; plus strand). Cytogenetic location: 9q34.2.
Variant type: Microsatellite.
Coding change: c.768_774dup on transcript NM_139027.6 (MANE Select); coding-DNA positions 768 to 774, 7 bases duplicated (CCGCGCC; older notation c.768_774dupCCGCGCC).
Protein change: p.Gly259fs; shifts the reading frame from glycine 259.
Molecular consequence: frameshift variant.
Genome position (GRCh38, 1-based): chr9:133,428,715-133,428,721, CCGCGCC duplicated; duplicating any 7 consecutive bases within chr9:133,428,708-133,428,721 gives the same sequence; the c. name uses the placement nearest the transcript's 3' end. VCF-style (leftmost placement, unchanged base first): chr9-133428707-G-GCCGCGCC. GRCh37 (hg19) VCF-style: chr9-136293827-G-GCCGCGCC.
Other names: p.Gly259Profs*133; c.768_774dup (NM_139025.4); c.761_767CCGCGCC[3], p.Gly259Profs (NM_139025.4); c.768_774dup, p.Gly259fs (NM_139025.5, NM_139026.6); short protein forms G259fs.
Identifiers: ClinVar variation 4541498 (VCV004541498.1).
Genomic context (GRCh38, chr9:133,428,707, plus strand): 5'-CACGACGGCGCGCCCGGCAGCGGCTGCGGCCCCAGCGGACACGTGATGGCTTCGGACGGC[G>GCCGCGCC]CCGCGCCCCGCGCCGGCCTCGCCTGGTCCCCCTGCAGCCGCCGGCAGCTGCTGAGCCTGC-3'